The following is an entry in ClinVar:

NM_002850.4(PTPRS):c.338T>C (p.Val113Ala)

Gene: PTPRS (protein tyrosine phosphatase receptor type S; minus strand). Cytogenetic location: 19p13.3.
Variant type: single nucleotide variant.
Coding change: c.338T>C on transcript NM_002850.4 (MANE Select); coding-DNA position 338, T replaced by C.
Protein change: p.Val113Ala; replaces valine 113 with alanine.
Molecular consequence: missense variant.
Genome position (GRCh38, 1-based): chr19:5,273,483, A>G on the plus strand (T>C on the coding strand, the complement: PTPRS is on the minus strand). VCF-style: chr19-5273483-A-G. GRCh37 (hg19) VCF-style: chr19-5273494-A-G.
Other names: c.338T>C, p.Val113Ala (NM_001394011.1, NM_001394012.1, NM_001394013.1 and 3 more transcripts); short protein forms V113A.
Identifiers: ClinVar variation 3047993 (VCV003047993.2), dbSNP rs114080870, ClinGen allele CA9110784.

ClinVar aggregate classification (germline): Benign (0 of 4 stars; one submission).

Conditions:
PTPRS-related disorder. Also called: PTPRS-related condition.

Allele frequency attached by ClinVar (database versions not stated): ESP Exome Variant Server 0.00038; gnomAD 0.00090; TOPMed 0.00108; ExAC 0.00226; 1000 Genomes Project 30x 0.00250; 1000 Genomes Project 0.00319.
gnomAD v4.1: 1,339 of 1,614,120 alleles (0.083%); highest among the groups gnomAD compares: East Asian, 2.1%; 8 homozygotes.

Submission:

PreventionGenetics, part of Exact Sciences
Classification: Benign for PTPRS-related condition. Last evaluated: 2019-02-22. Review status: no assertion criteria provided. Collection method: clinical testing. Allele origin: germline.
Comment: This variant is classified as benign based on ACMG/AMP sequence variant interpretation guidelines (Richards et al. 2015 PMID: 25741868, with internal and published modifications).